The following is an entry in ClinVar:

ClinVar aggregate classification (germline): Likely benign. Review status: criteria provided, multiple submitters, no conflicts (2 of 4 stars). 2 submissions from 2 submitters: Likely benign (2). Last evaluated 2026-06-15.

Conditions:
Gastrointestinal stromal tumor. Also called: Gastrointestinal stroma tumor; Gastrointestinal stromal tumor, somatic. Identifiers: Orphanet 44890, MedGen C0238198, MeSH D046152, MONDO:0011719, OMIM 606764, HP:0100723.
Polyps, multiple and recurrent inflammatory fibroid, gastrointestinal. Identifiers: MedGen C5193005, MONDO:0008285, OMIM 175510.

gnomAD v4.1: 7 of 1,613,810 alleles (0.00043%); highest among the groups gnomAD compares: Non-Finnish European, 0.00059%; no homozygotes.

Submissions (2):

Myriad Genetics, Inc.
Classification: Likely benign for Polyps, multiple and recurrent inflammatory fibroid, gastrointestinal. Last evaluated: 2026-06-15. Review status: criteria provided, single submitter. Criteria: Myriad Autosomal Dominant, Autosomal Recessive and X-Linked Classification Criteria (2023). Collection method: clinical testing. Allele origin: unknown.
Comment: This variant is considered likely benign. This variant is intronic and is not expected to impact mRNA splicing.

Labcorp Genetics (formerly Invitae), Labcorp
Classification: Likely benign for Gastrointestinal stromal tumor. Last evaluated: 2022-03-29. Review status: criteria provided, single submitter. Criteria: Invitae Variant Classification Sherloc (09022015). Collection method: clinical testing. Allele origin: germline.

NM_006206.6(PDGFRA):c.2440-17C>T

Gene: PDGFRA (platelet derived growth factor receptor alpha; plus strand). Cytogenetic location: 4q12.
Variant type: single nucleotide variant.
Coding change: c.2440-17C>T on transcript NM_006206.6 (MANE Select); 17 bases into the intron before coding-DNA position 2440, C replaced by T.
Molecular consequence: intron variant.
Genome position (GRCh38, 1-based): chr4:54,285,824, C>T. VCF-style: chr4-54285824-C-T. GRCh37 (hg19) VCF-style: chr4-55151991-C-T.
Other names: c.2515-17C>T (NM_001347828.2); c.2440-17C>T (NM_001347829.2); c.2479-17C>T (NM_001347830.2).
Identifiers: ClinVar variation 2146425 (VCV002146425.5), dbSNP rs2475548216, ClinGen allele CA2580071106.
Genomic context (GRCh38, chr4:54,285,824, plus strand): 5'-TCAGCCAGTCTTGCAGGGGTGATGCTATTCAGCTACAGATGGCTTGATCCTGAGTCATTT[C>T]TTCCTTTTCCATGCAGTGTGTCCACCGTGATCTGGCTGCTCGCAACGTCCTCCTGGCACA-3'